The following is an entry in ClinVar:

NM_000238.4(KCNH2):c.1803C>T (p.Gly601=)

Gene: KCNH2 (potassium voltage-gated channel subfamily H member 2; minus strand). Cytogenetic location: 7q36.1.
Variant type: single nucleotide variant.
Coding change: c.1803C>T on transcript NM_000238.4 (MANE Select); coding-DNA position 1803, C replaced by T.
Protein change: p.Gly601=; no amino-acid change (glycine 601 retained).
Molecular consequence: synonymous variant. On other transcripts: non-coding transcript variant (2).
Genome position (GRCh38, 1-based): chr7:150,951,590, G>A on the plus strand (C>T on the coding strand, the complement: KCNH2 is on the minus strand). VCF-style: chr7-150951590-G-A. GRCh37 (hg19) VCF-style: chr7-150648678-G-A.
Other names: c.783C>T, p.Gly261= (NM_001204798.2, NM_172057.3); c.1515C>T, p.Gly505= (NM_001406753.1, NM_001406756.1); c.1626C>T, p.Gly542= (NM_001406755.1); c.1503C>T, p.Gly501= (NM_001406757.1); c.1803C>T, p.Gly601= (NM_172056.3).
Identifiers: ClinVar variation 3071049 (VCV003071049.1), dbSNP rs768722100, ClinGen allele CA458871524.

ClinVar aggregate classification (germline): Likely benign (1 of 4 stars; one submission).

Conditions:
Long QT syndrome (LQTS). Identifiers: MedGen C0023976, MeSH D008133, MONDO:0002442. Disease mechanism: loss of function. Inheritance: Various modes of inheritance.

Submission:

All of Us Research Program, National Institutes of Health
Classification: Likely benign for Long QT syndrome. Last evaluated: 2023-05-16. Review status: criteria provided, single submitter. Criteria: ACMG Guidelines, 2015. Collection method: clinical testing. Allele origin: germline. Inheritance: Autosomal dominant inheritance. Observed: 1 variant allele, 1 heterozygote.
Comment: This study involves interpretation of variants in research participants for the purpose of population health screening. Participant phenotype was not available at the time of variant classification. Additional details can be found in publication PMID: 35346344, PMCID: PMC8962531